The following is an entry in ClinVar:

ClinVar aggregate classification (germline): Pathogenic/Likely pathogenic. Review status: criteria provided, multiple submitters, no conflicts (2 of 4 stars). 4 submissions from 4 submitters: Pathogenic (3); Likely pathogenic (1). Last evaluated 2025-09-24.

Conditions:
Marfan syndrome (MFS). Also called: MARFAN SYNDROME, TYPE I; Marfan syndrome type 1; Marfan's syndrome; Marfan syndrome, classic; FBN1-Related Marfan Syndrome. Identifiers: Orphanet 284963, Orphanet 558, MedGen C0024796, MONDO:0007947, OMIM 154700.

Submissions (4):

GeneDx
Classification: Pathogenic. Last evaluated: 2025-09-24. Review status: criteria provided, single submitter. Criteria: GeneDx Variant Classification Process June 2021. Collection method: clinical testing. Allele origin: germline.
Comment: Non-canonical splice site variant demonstrated to result in loss of function (PMID: 36861389); Not observed at significant frequency in large population cohorts (gnomAD); This variant is associated with the following publications: (PMID: 36861389)

Variantyx, Inc.
Classification: Pathogenic for Marfan syndrome. Last evaluated: 2025-06-24. Review status: criteria provided, single submitter. Criteria: Variantyx Assertion Criteria 2022. Collection method: clinical testing. Allele origin: germline. Inheritance: Autosomal dominant inheritance. Affected: yes.
Comment: This is an intronic variant in the FBN1 gene (OMIM: 134797). Pathogenic variants in this gene have been associated with autosomal dominant Marfan syndrome. This intronic variant is expected to result in loss of function, which is a known disease mechanism for FBN1 in this disorder (PMID: 36861389) (PVS1). This variant has been reported in at least one affected individual (PMID: 36861389) (PS4 and it has been observed to segregate with disease in at least 9 individuals from one family (PMID: 36861389) (PP1_Moderate). This variant is absent from control populations (PM2). Based on the current evidence, this variant is classified as pathogenic for autosomal dominant Marfan syndrome.

Clinical and Biomedical Sciences, University of Exeter
Classification: Pathogenic for Marfan syndrome. Last evaluated: 2025-02-28. Review status: criteria provided, single submitter. Criteria: ACMG Guidelines, 2015. Collection method: research. Allele origin: germline. Affected: yes. Study: 100,000 Genomes Project.
Comment: Previously reported to create 202bp pseudoexon r.1588_1589ins202 and p.Asp530ValfsTer8 (PMID:36861389). Significant enrichment in cases vs controls in 100k Genomes Project.

Institute of Human Genetics, Cologne University
Classification: Likely pathogenic for Marfan syndrome. Last evaluated: 2023-10-17. Review status: criteria provided, single submitter. Criteria: ACMG Guidelines, 2015. Collection method: clinical testing. Allele origin: germline. Affected: yes.

Literature cited by the submitters: PubMed 36861389 (cited by Variantyx, Inc.).

NM_000138.5(FBN1):c.1589-1217G>T

Gene: FBN1 (fibrillin 1; minus strand). Cytogenetic location: 15q21.1.
Variant type: single nucleotide variant.
Coding change: c.1589-1217G>T on transcript NM_000138.5 (MANE Select); 1217 bases into the intron before coding-DNA position 1589, G replaced by T.
Molecular consequence: intron variant.
Genome position (GRCh38, 1-based): chr15:48,511,386, C>A on the plus strand (G>T on the coding strand, the complement: FBN1 is on the minus strand). VCF-style: chr15-48511386-C-A. GRCh37 (hg19) VCF-style: chr15-48803583-C-A.
Other names: c.1589-1217G>T (NM_001406716.1).
Identifiers: ClinVar variation 2664316 (VCV002664316.5), dbSNP rs1342142271, ClinGen allele CA656136243.